The following is an entry in ClinVar:

ClinVar aggregate classification (germline): Uncertain significance (1 of 4 stars; one submission).

Conditions:
Nephronophthisis. Also called: Juvenile Nephronophthisis. Identifiers: Orphanet 655, MedGen C0687120, MONDO:0019005, HP:0000090.

Allele frequency attached by ClinVar (database versions not stated): gnomAD 0.00001; gnomAD exomes below 0.00001; TOPMed 0.00001.
gnomAD v4.1: 6 of 1,613,564 alleles (0.00037%); highest among the groups gnomAD compares: Non-Finnish European, 0.00051%; no homozygotes.

Submission:

Labcorp Genetics (formerly Invitae), Labcorp
Classification: Uncertain significance for Nephronophthisis. Last evaluated: 2022-08-23. Review status: criteria provided, single submitter. Criteria: Invitae Variant Classification Sherloc (09022015). Collection method: clinical testing. Allele origin: germline.
Comment: In summary, the available evidence is currently insufficient to determine the role of this variant in disease. Therefore, it has been classified as a Variant of Uncertain Significance. Algorithms developed to predict the effect of missense changes on protein structure and function (SIFT, PolyPhen-2, Align-GVGD) all suggest that this variant is likely to be tolerated. ClinVar contains an entry for this variant (Variation ID: 1524755). This variant has not been reported in the literature in individuals affected with NPHP4-related conditions. This variant is present in population databases (no rsID available, gnomAD 0.0009%). This sequence change replaces threonine, which is neutral and polar, with proline, which is neutral and non-polar, at codon 865 of the NPHP4 protein (p.Thr865Pro).

NM_015102.5(NPHP4):c.2593A>C (p.Thr865Pro)

Gene: NPHP4 (nephrocystin 4; minus strand). Cytogenetic location: 1p36.31.
Variant type: single nucleotide variant.
Coding change: c.2593A>C on transcript NM_015102.5 (MANE Select); coding-DNA position 2593, A replaced by C.
Protein change: p.Thr865Pro; replaces threonine 865 with proline.
Molecular consequence: missense variant. On other transcripts: non-coding transcript variant (1).
Genome position (GRCh38, 1-based): chr1:5,880,132, T>G on the plus strand (A>C on the coding strand, the complement: NPHP4 is on the minus strand). VCF-style: chr1-5880132-T-G. GRCh37 (hg19) VCF-style: chr1-5940192-T-G.
Other names: c.1054A>C, p.Thr352Pro (NM_001291593.2); c.1057A>C, p.Thr353Pro (NM_001291594.2); short protein forms T865P, T352P, T353P.
Identifiers: ClinVar variation 1524755 (VCV001524755.7), dbSNP rs1254545749, ClinGen allele CA338058281.